The following is an entry in ClinVar:

NM_005633.4(SOS1):c.975+4T>C

Gene: SOS1 (SOS Ras/Rac guanine nucleotide exchange factor 1; minus strand). Cytogenetic location: 2p22.1.
Variant type: single nucleotide variant.
Coding change: c.975+4T>C on transcript NM_005633.4 (MANE Select); 4 bases into the intron after coding-DNA position 975, T replaced by C.
Molecular consequence: intron variant.
Genome position (GRCh38, 1-based): chr2:39,035,386, A>G on the plus strand (T>C on the coding strand, the complement: SOS1 is on the minus strand). VCF-style: chr2-39035386-A-G. GRCh37 (hg19) VCF-style: chr2-39262527-A-G.
Other names: c.954+4T>C (NM_001382394.1); c.975+4T>C (NM_001382395.1).
Identifiers: ClinVar variation 1768080 (VCV001768080.4), dbSNP rs2529092699, ClinGen allele CA2576945460.

ClinVar aggregate classification (germline): Uncertain significance. Review status: criteria provided, multiple submitters, no conflicts (2 of 4 stars). 2 submissions from 2 submitters: Uncertain significance (2). Last evaluated 2024-07-23.

Conditions:
RASopathy. Also called: rasopathies; Noonan spectrum disorder. Identifiers: Orphanet 536391, MedGen C5555857, MONDO:0021060.
Cardiovascular phenotype. Identifiers: MedGen CN230736.

Submissions (2):

Labcorp Genetics (formerly Invitae), Labcorp
Classification: Uncertain significance for RASopathy. Last evaluated: 2024-07-23. Review status: criteria provided, single submitter. Criteria: Invitae Variant Classification Sherloc (09022015). Collection method: clinical testing. Allele origin: germline.
Comment: This sequence change falls in intron 7 of the SOS1 gene. It does not directly change the encoded amino acid sequence of the SOS1 protein. It affects a nucleotide within the consensus splice site. This variant is not present in population databases (gnomAD no frequency). This variant has not been reported in the literature in individuals affected with SOS1-related conditions. ClinVar contains an entry for this variant (Variation ID: 1768080). Variants that disrupt the consensus splice site are a relatively common cause of aberrant splicing (PMID: 17576681, 9536098). Algorithms developed to predict the effect of sequence changes on RNA splicing suggest that this variant is not likely to affect RNA splicing. In summary, the available evidence is currently insufficient to determine the role of this variant in disease. Therefore, it has been classified as a Variant of Uncertain Significance.

Ambry Genetics
Classification: Uncertain significance for Cardiovascular phenotype. Last evaluated: 2021-01-29. Review status: criteria provided, single submitter. Criteria: Ambry Variant Classification Scheme 2023. Collection method: clinical testing. Allele origin: germline.
Comment: The c.975+4T>C intronic variant results from a T to C substitution 4 nucleotides after coding exon 7 in the SOS1 gene. This nucleotide position is not well conserved in available vertebrate species. In silico splice site analysis predicts that this alteration will not have any significant effect on splicing. Since supporting evidence is limited at this time, the clinical significance of this alteration remains unclear.

Literature cited by the submitters: PubMed 17576681 (cited by Labcorp Genetics (formerly Invitae), Labcorp); PubMed 9536098 (cited by Labcorp Genetics (formerly Invitae), Labcorp).